The following is an entry in ClinVar:

NM_001382430.1(AKT1):c.125C>T (p.Pro42Leu)

Gene: AKT1 (AKT serine/threonine kinase 1; minus strand). Cytogenetic location: 14q32.33.
Variant type: single nucleotide variant.
Coding change: c.125C>T on transcript NM_001382430.1 (MANE Select); coding-DNA position 125, C replaced by T.
Protein change: p.Pro42Leu; replaces proline 42 with leucine.
Molecular consequence: missense variant.
Genome position (GRCh38, 1-based): chr14:104,780,138, G>A on the plus strand (C>T on the coding strand, the complement: AKT1 is on the minus strand). VCF-style: chr14-104780138-G-A. GRCh37 (hg19) VCF-style: chr14-105246475-G-A.
Other names: c.125C>T, p.Pro42Leu (NM_001014431.2, NM_001014432.2, NM_001382431.1 and 3 more transcripts); short protein forms P42L.
Identifiers: ClinVar variation 2072044 (VCV002072044.4), dbSNP rs1892951094, ClinGen allele CA391221552.

ClinVar aggregate classification (germline): Uncertain significance (1 of 4 stars; one submission).

Conditions:
Cowden syndrome 6 (CWS6). Identifiers: Orphanet 201, MedGen C3554519, MONDO:0014048, OMIM 615109.

Allele frequency attached by ClinVar (database versions not stated): TOPMed below 0.00001; gnomAD exomes 0.00001.

Submission:

Labcorp Genetics (formerly Invitae), Labcorp
Classification: Uncertain significance for Cowden syndrome 6. Last evaluated: 2022-06-15. Review status: criteria provided, single submitter. Criteria: Invitae Variant Classification Sherloc (09022015). Collection method: clinical testing. Allele origin: germline.
Comment: In summary, the available evidence is currently insufficient to determine the role of this variant in disease. Therefore, it has been classified as a Variant of Uncertain Significance. Algorithms developed to predict the effect of missense changes on protein structure and function are either unavailable or do not agree on the potential impact of this missense change (SIFT: "Deleterious"; PolyPhen-2: "Benign"; Align-GVGD: "Class C15"). This variant has not been reported in the literature in individuals affected with AKT1-related conditions. This variant is not present in population databases (gnomAD no frequency). This sequence change replaces proline, which is neutral and non-polar, with leucine, which is neutral and non-polar, at codon 42 of the AKT1 protein (p.Pro42Leu).